The following is an entry in ClinVar:

NM_001378964.1(CDON):c.*871C>T

Gene: CDON (cell adhesion associated, oncogene regulated; minus strand). Cytogenetic location: 11q24.2.
Variant type: single nucleotide variant.
Coding change: c.*871C>T on transcript NM_001378964.1 (MANE Select); 871 bases downstream of the stop codon, C replaced by T.
Molecular consequence: 3 prime UTR variant.
Genome position (GRCh38, 1-based): chr11:125,960,071, G>A on the plus strand (C>T on the coding strand, the complement: CDON is on the minus strand). VCF-style: chr11-125960071-G-A. GRCh37 (hg19) VCF-style: chr11-125829966-G-A.
Other names: c.*871C>T (NM_001243597.3, NM_016952.6).
Identifiers: ClinVar variation 303477 (VCV000303477.5), dbSNP rs148777681, ClinGen allele CA10638393.

ClinVar aggregate classification (germline): Benign (1 of 4 stars; one submission).

Conditions:
Holoprosencephaly 11 (HPE11). Identifiers: Orphanet 2162, MedGen C3280215, MONDO:0013642, OMIM 614226.

Allele frequency attached by ClinVar (database versions not stated): TOPMed 0.00011; 1000 Genomes Project 30x 0.00016; 1000 Genomes Project 0.00040.

Submission:

Illumina Laboratory Services, Illumina
Classification: Benign for Holoprosencephaly 11. Last evaluated: 2018-01-12. Review status: criteria provided, single submitter. Criteria: ICSL Variant Classification Criteria 13 December 2019. Collection method: clinical testing. Allele origin: germline.
Comment: This variant was observed in the ICSL laboratory as part of a predisposition screen in an ostensibly healthy population. It had not been previously curated by ICSL or reported in the Human Gene Mutation Database (HGMD: prior to June 1st, 2018), and was therefore a candidate for classification through an automated scoring system. Utilizing variant allele frequency, disease prevalence and penetrance estimates, and inheritance mode, an automated score was calculated to assess if this variant is too frequent to cause the disease. Based on the score and internal cut-off values, a variant classified as benign is not then subjected to further curation. The score for this variant resulted in a classification of benign for this disease.